The following is an entry in ClinVar:

ClinVar aggregate classification (germline): Likely benign. Review status: criteria provided, multiple submitters, no conflicts (2 of 4 stars). 2 submissions from 2 submitters: Likely benign (2). Last evaluated 2025-10-13.

Conditions:
Catecholaminergic polymorphic ventricular tachycardia (CVPT). Also called: Catecholamine-induced polymorphic ventricular tachycardia. Identifiers: Orphanet 3286, MedGen C5574922, MONDO:0017990.
Catecholaminergic polymorphic ventricular tachycardia 1. Also called: RYR2-Related Catecholaminergic Polymorphic Ventricular Tachycardia; VENTRICULAR TACHYCARDIA, CATECHOLAMINERGIC POLYMORPHIC, 1, WITH OR WITHOUT ATRIAL DYSFUNCTION AND/OR DILATED CARDIOMYOPATHY; VENTRICULAR TACHYCARDIA, STRESS-INDUCED POLYMORPHIC 1. Identifiers: Orphanet 3286, MedGen C1631597, MONDO:0011484, OMIM 604772.

Allele frequency attached by ClinVar (database versions not stated): gnomAD exomes below 0.00001; gnomAD 0.00001; TOPMed 0.00001.
gnomAD v4.1: 3 of 1,563,646 alleles (0.00019%); highest among the groups gnomAD compares: African/African-American, 0.0041%; no homozygotes.

Submissions (2):

Labcorp Genetics (formerly Invitae), Labcorp
Classification: Likely benign for Catecholaminergic polymorphic ventricular tachycardia 1. Last evaluated: 2025-10-13. Review status: criteria provided, single submitter. Criteria: Invitae Variant Classification Sherloc (09022015). Collection method: clinical testing. Allele origin: germline.

All of Us Research Program, National Institutes of Health
Classification: Likely benign for Catecholaminergic polymorphic ventricular tachycardia. Last evaluated: 2024-05-14. Review status: criteria provided, single submitter. Criteria: ACMG Guidelines, 2015. Collection method: clinical testing. Allele origin: germline. Inheritance: Autosomal dominant inheritance. Observed: 1 variant allele, 1 heterozygote.
Comment: This study involves interpretation of variants in research participants for the purpose of population health screening. Participant phenotype was not available at the time of variant classification. Additional details can be found in publication PMID: 35346344, PMCID: PMC8962531

NM_001035.3(RYR2):c.5710T>C (p.Leu1904=)

Gene: RYR2 (ryanodine receptor 2; plus strand). Cytogenetic location: 1q43.
Variant type: single nucleotide variant.
Coding change: c.5710T>C on transcript NM_001035.3 (MANE Select); coding-DNA position 5710, T replaced by C.
Protein change: p.Leu1904=; no amino-acid change (leucine 1904 retained).
Molecular consequence: synonymous variant.
Genome position (GRCh38, 1-based): chr1:237,614,838, T>C. VCF-style: chr1-237614838-T-C. GRCh37 (hg19) VCF-style: chr1-237778138-T-C.
Identifiers: ClinVar variation 782206 (VCV000782206.13), dbSNP rs1286936034, ClinGen allele CA424031653.
Genomic context (GRCh38, chr1:237,614,838, plus strand): 5'-AAGGGGGGCAAGCGGCCCAAGGAAGGCCTGCTCCAAATGAAACTGCCAGAGCCAGTTAAA[T>C]TGCAGGTAATCAGAACAAGAGACTTGAGTGAATTTCAGAATTGCTAAGCATTAAGGTATT-3'
Protein context (NP_001026.2, residues 1894-1914): LQMKLPEPVK[Leu1904=]QMCLLLQYLC